The following is an entry in ClinVar:

ClinVar aggregate classification (germline): Uncertain significance. Review status: criteria provided, multiple submitters, no conflicts (2 of 4 stars). 2 submissions from 2 submitters: Uncertain significance (2). Last evaluated 2024-10-19.

Conditions:
Inborn genetic diseases. Identifiers: MedGen C0950123, MeSH D030342.

Allele frequency attached by ClinVar (database versions not stated): gnomAD exomes below 0.00001; TOPMed below 0.00001; ExAC 0.00001; gnomAD 0.00001.
gnomAD v4.1: 3 of 1,613,986 alleles (0.00019%); highest among the groups gnomAD compares: Non-Finnish European, 0.00025%; no homozygotes.

Submissions (2):

Ambry Genetics
Classification: Uncertain significance for Inborn genetic diseases. Last evaluated: 2024-10-19. Review status: criteria provided, single submitter. Criteria: Ambry Variant Classification Scheme 2023. Collection method: clinical testing. Allele origin: germline.

Labcorp Genetics (formerly Invitae), Labcorp
Classification: Uncertain significance. Last evaluated: 2022-01-13. Review status: criteria provided, single submitter. Criteria: Invitae Variant Classification Sherloc (09022015). Collection method: clinical testing. Allele origin: germline.
Comment: This sequence change replaces proline, which is neutral and non-polar, with leucine, which is neutral and non-polar, at codon 379 of the HARS2 protein (p.Pro379Leu). This variant is present in population databases (rs775956020, gnomAD 0.002%). This variant has not been reported in the literature in individuals affected with HARS2-related conditions. Algorithms developed to predict the effect of missense changes on protein structure and function (SIFT, PolyPhen-2, Align-GVGD) all suggest that this variant is likely to be disruptive. In summary, the available evidence is currently insufficient to determine the role of this variant in disease. Therefore, it has been classified as a Variant of Uncertain Significance.

NM_012208.4(HARS2):c.1136C>T (p.Pro379Leu)

Gene: HARS2 (histidyl-tRNA synthetase 2, mitochondrial; plus strand). Cytogenetic location: 5q31.3.
Variant type: single nucleotide variant.
Coding change: c.1136C>T on transcript NM_012208.4 (MANE Select); coding-DNA position 1136, C replaced by T.
Protein change: p.Pro379Leu; replaces proline 379 with leucine.
Molecular consequence: missense variant.
Genome position (GRCh38, 1-based): chr5:140,697,345, C>T. VCF-style: chr5-140697345-C-T. GRCh37 (hg19) VCF-style: chr5-140076930-C-T.
Other names: c.1061C>T, p.Pro354Leu (NM_001278731.2); c.704C>T, p.Pro235Leu (NM_001278732.2); c.1154C>T, p.Pro385Leu (NM_001363535.2); c.926C>T, p.Pro309Leu (NM_001363536.2); c.1136C>T (NM_012208.2); short protein forms P354L, P385L, P235L, P309L, P379L.
Identifiers: ClinVar variation 1514238 (VCV001514238.4), dbSNP rs775956020, ClinGen allele CA3444622.